The following is an entry in ClinVar:

NM_006017.3(PROM1):c.1746T>G (p.Ser582Arg)

Gene: PROM1 (prominin 1; minus strand). Cytogenetic location: 4p15.32.
Variant type: single nucleotide variant.
Coding change: c.1746T>G on transcript NM_006017.3 (MANE Select); coding-DNA position 1746, T replaced by G.
Protein change: p.Ser582Arg; replaces serine 582 with arginine.
Molecular consequence: missense variant.
Genome position (GRCh38, 1-based): chr4:15,994,008, A>C on the plus strand (T>G on the coding strand, the complement: PROM1 is on the minus strand). VCF-style: chr4-15994008-A-C. GRCh37 (hg19) VCF-style: chr4-15995631-A-C.
Other names: c.1719T>G, p.Ser573Arg (NM_001145847.2, NM_001145848.2, NM_001145851.2 and 4 more transcripts); c.1746T>G, p.Ser582Arg (NM_001145849.2, NM_001145850.2); short protein forms S573R, S582R.
Identifiers: ClinVar variation 1004765 (VCV001004765.8), dbSNP rs781323323, ClinGen allele CA2866655.

ClinVar aggregate classification (germline): Uncertain significance (1 of 4 stars; one submission).

Allele frequency attached by ClinVar (database versions not stated): gnomAD exomes below 0.00001 and 0.00001; ExAC 0.00001; gnomAD 0.00001; TOPMed 0.00001.
gnomAD v4.1: 2 of 1,613,820 alleles (0.00012%); highest among the groups gnomAD compares: Non-Finnish European, 0.00017%; no homozygotes.

Submission:

Labcorp Genetics (formerly Invitae), Labcorp
Classification: Uncertain significance. Last evaluated: 2020-03-31. Review status: criteria provided, single submitter. Criteria: Invitae Variant Classification Sherloc (09022015). Collection method: clinical testing. Allele origin: germline.
Comment: In summary, the available evidence is currently insufficient to determine the role of this variant in disease. Therefore, it has been classified as a Variant of Uncertain Significance. Algorithms developed to predict the effect of missense changes on protein structure and function are either unavailable or do not agree on the potential impact of this missense change (SIFT: "Deleterious"; PolyPhen-2: "Probably Damaging"; Align-GVGD: "Class C0"). This variant has not been reported in the literature in individuals with PROM1-related conditions. This variant is present in population databases (rs781323323, ExAC 0.001%). This sequence change replaces serine with arginine at codon 582 of the PROM1 protein (p.Ser582Arg). The serine residue is moderately conserved and there is a moderate physicochemical difference between serine and arginine.